The following is an entry in ClinVar:

ClinVar aggregate classification (germline): Uncertain significance (1 of 4 stars; one submission).

Conditions:
ITSN2-related disorder. Also called: ITSN2-related condition.

Submission:

PreventionGenetics, part of Exact Sciences
Classification: Uncertain significance for ITSN2-related condition. Last evaluated: 2023-09-06. Review status: criteria provided, single submitter. Criteria: ACMG Guidelines, 2015. Collection method: clinical testing. Allele origin: germline.
Comment: The ITSN2 c.2256dupA variant is predicted to result in a frameshift and premature protein termination (p.Arg753Thrfs*2). To our knowledge, this variant has not been reported in the literature. This variant is reported in 0.011% of alleles in individuals of Ashkenazi Jewish descent in gnomAD. Although we suspect that this variant may be pathogenic, at this time, the clinical significance of this variant is uncertain due to the absence of conclusive functional and genetic evidence.

NM_006277.3(ITSN2):c.2256dup (p.Arg753fs)

Gene: ITSN2 (intersectin 2; minus strand). Cytogenetic location: 2p23.3.
Variant type: Duplication.
Coding change: c.2256dup on transcript NM_006277.3 (MANE Select); coding-DNA position 2256, one base duplicated (A; older notation c.2256dupA).
Protein change: p.Arg753fs; shifts the reading frame from arginine 753.
Molecular consequence: frameshift variant. On other transcripts: intron variant (3).
Genome position (GRCh38, 1-based): chr2:24,271,767, T duplicated on the plus strand (A on the coding strand, the reverse complement: ITSN2 is on the minus strand); the first of 6 consecutive T bases (chr2:24,271,767-24,271,772); duplicating any one gives the same sequence. VCF-style (leftmost placement, unchanged base first): chr2-24271766-G-GT. GRCh37 (hg19) VCF-style: chr2-24494635-G-GT.
Other names: c.2214dup, p.Arg739fs (NM_001348181.2); c.2175dup, p.Arg726fs (NM_001348183.2, NM_019595.4); c.2133dup, p.Arg712fs (NM_001348184.2); c.2256dup, p.Arg753fs (NM_147152.3); c.2137+38dup (NM_001348182.2, NM_001348186.2); c.2218+38dup (NM_001348185.2); short protein forms R712fs, R726fs, R739fs, R753fs.
Identifiers: ClinVar variation 2629074 (VCV002629074.1), dbSNP rs758269426, ClinGen allele CA1551244.